The following is an entry in ClinVar:

NM_001943.5(DSG2):c.2817del (p.Tyr940fs)

Genes: DSG2 (desmoglein 2; plus strand), DSG2-AS1 (DSG2 antisense RNA 1; minus strand). Cytogenetic location: 18q12.1.
Variant type: Deletion.
Coding change: c.2817del on transcript NM_001943.5 (MANE Select); coding-DNA position 2817, one base deleted (C; older notation c.2817delC).
Protein change: p.Tyr940fs; shifts the reading frame from tyrosine 940.
Molecular consequence: frameshift variant.
Genome position (GRCh38, 1-based): chr18:31,546,203, C deleted; the last of 2 consecutive C bases (chr18:31,546,202-31,546,203); deleting either gives the same sequence. VCF-style (leftmost placement, unchanged base first): chr18-31546201-TC-T. GRCh37 (hg19) VCF-style: chr18-29126164-TC-T.
Other names: c.2817del (LRG_397t1); short protein forms Y940fs.
Identifiers: ClinVar variation 576810 (VCV000576810.15), dbSNP rs1567934773, ClinGen allele CA891843561.
Genomic context (GRCh38, chr18:31,546,201, plus strand): 5'-AAGGTAGCTACACCTCTTCCTGACCCAATGGCTTCTAGAAATGTGATAGCAACAGAAACT[TC>T]CTATGTCACAGGGTCCACTATGCCACCAACCACTGTGATCCTGGGTCCTAGCCAGCCACA-3'

ClinVar aggregate classification (germline): Conflicting classifications of pathogenicity. Review status: criteria provided, conflicting classifications (1 of 4 stars). 3 submissions from 3 submitters: Pathogenic (1); Likely pathogenic (1); Uncertain significance (1). Last evaluated 2025-05-13.

Conditions:
Cardiomyopathy (CMYO). Also called: Cardiomyopathies. Identifiers: Orphanet 167848, MedGen C0878544, MONDO:0004994, HP:0001638. Inheritance: Various modes of inheritance.
Arrhythmogenic right ventricular dysplasia 10. Also called: Arrhythmogenic right ventricular dysplasia/cardiomyopathy, type 10; Arrhythmogenic Right Ventricular Dysplasia/Cardiomyopathy10; ARRHYTHMOGENIC RIGHT VENTRICULAR DYSPLASIA, FAMILIAL, 10. Identifiers: MedGen C1857777, MONDO:0012434, OMIM 610193.

Submissions (3):

Labcorp Genetics (formerly Invitae), Labcorp
Classification: Pathogenic for Arrhythmogenic right ventricular dysplasia 10. Last evaluated: 2025-05-13. Review status: criteria provided, single submitter. Criteria: Invitae Variant Classification Sherloc (09022015). Collection method: clinical testing. Allele origin: germline.
Comment: This sequence change creates a premature translational stop signal (p.Tyr940Metfs*12) in the DSG2 gene. While this is not anticipated to result in nonsense mediated decay, it is expected to disrupt the last 179 amino acid(s) of the DSG2 protein. This variant is not present in population databases (gnomAD no frequency). This variant has not been reported in the literature in individuals affected with DSG2-related conditions. ClinVar contains an entry for this variant (Variation ID: 576810). This variant disrupts a region of the DSG2 protein in which other variant(s) (p.Glu1020Alafs*18) have been determined to be pathogenic (PMID: 20864495, 21397041, 23381804). This suggests that this is a clinically significant region of the protein, and that variants that disrupt it are likely to be disease-causing. For these reasons, this variant has been classified as Pathogenic.

Color Diagnostics, LLC DBA Color Health
Classification: Uncertain significance for Cardiomyopathy. Last evaluated: 2019-12-04. Review status: criteria provided, single submitter. Criteria: ACMG Guidelines, 2015. Collection method: clinical testing. Allele origin: germline.
Comment: This variant deletes 1 nucleotide in exon 15 of the DSG2 gene, creating a frameshift and premature translation stop signal in the last exon. This variant is expected to result in an absent or non-functional protein product. To our knowledge, functional studies have not been performed for this variant. This variant has not been reported in individuals affected with cardiovascular disorders in the literature. This variant has not been identified in the general population by the Genome Aggregation Database (gnomAD). Clinical significance of loss-of-function truncation variants in the DSG2 gene is not clearly established. The available evidence is insufficient to determine the role of this variant in disease conclusively. Therefore, this variant is classified as a Variant of Uncertain Significance.

Human Genome Sequencing Center Clinical Lab, Baylor College of Medicine
Classification: Likely pathogenic for Arrhythmogenic right ventricular dysplasia/cardiomyopathy, type 10. Last evaluated: 2018-08-06. Review status: criteria provided, single submitter. Criteria: ACMG Guidelines, 2015. Collection method: clinical testing. Allele origin: germline.
Comment: The frameshift variant, c.2817delC (p.Tyr940Metfs*12) in the DSG2 gene is predicted to introduce a premature translation termination codon. It has not been seen in the general population according to the gnomAD database. Loss of function could be the mechanism for DSG2 protein (PMID 23911551, 23381804). Therefore, this variant is classified as likely pathogenic.

Literature cited by the submitters: PubMed 20864495 (cited by Labcorp Genetics (formerly Invitae), Labcorp); PubMed 21397041 (cited by Labcorp Genetics (formerly Invitae), Labcorp); PubMed 23381804 (cited by Labcorp Genetics (formerly Invitae), Labcorp).